The following is an entry in ClinVar:

NM_015662.3(IFT172):c.3130C>T (p.Arg1044Ter)

Gene: IFT172 (intraflagellar transport 172; minus strand). Cytogenetic location: 2p23.3.
Variant type: single nucleotide variant.
Coding change: c.3130C>T on transcript NM_015662.3 (MANE Select); coding-DNA position 3130, C replaced by T.
Protein change: p.Arg1044Ter; replaces arginine 1044 with a stop codon.
Molecular consequence: nonsense.
Genome position (GRCh38, 1-based): chr2:27,457,737, G>A on the plus strand (C>T on the coding strand, the complement: IFT172 is on the minus strand). VCF-style: chr2-27457737-G-A. GRCh37 (hg19) VCF-style: chr2-27680604-G-A.
Other names: c.3130C>T (NM_015662.2); c.3064C>T, p.Arg1022Ter (NM_001410739.1); short protein forms R1022*, R1044*.
Identifiers: ClinVar variation 2142132 (VCV002142132.5), dbSNP rs777676427, ClinGen allele CA1580072.

ClinVar aggregate classification (germline): Pathogenic/Likely pathogenic. Review status: criteria provided, multiple submitters, no conflicts (2 of 4 stars). 2 submissions from 2 submitters: Pathogenic (1); Likely pathogenic (1). Last evaluated 2024-03-14.

Conditions:
Retinitis pigmentosa 71 (RP71). Identifiers: Orphanet 791, MedGen C4225342, MONDO:0014618, OMIM 616394.
Short-rib thoracic dysplasia 10 with or without polydactyly (SRTD10). Identifiers: Orphanet 474, MedGen C3810175, MONDO:0014284, OMIM 615630.

Allele frequency attached by ClinVar (database versions not stated): ExAC 0.00002; gnomAD 0.00001; gnomAD exomes 0.00002.
gnomAD v4.1: 31 of 1,613,990 alleles (0.0019%); highest among the groups gnomAD compares: Non-Finnish European, 0.0023%; no homozygotes.

Submissions (2):

GeneDx
Classification: Likely pathogenic. Last evaluated: 2024-03-14. Review status: criteria provided, single submitter. Criteria: GeneDx Variant Classification Process June 2021. Collection method: clinical testing. Allele origin: germline. Affected: yes.
Comment: Reported in a patient with transposition of the great arteries in the published literature; however, the patient also harbored additional variants in multiple other genes (PMID: 34670123); Nonsense variant predicted to result in protein truncation or nonsense mediated decay in a gene for which loss of function is a known mechanism of disease; Not observed at significant frequency in large population cohorts (gnomAD); This variant is associated with the following publications: (PMID: 34670123, 31964843)

Labcorp Genetics (formerly Invitae), Labcorp
Classification: Pathogenic for Retinitis pigmentosa 71; Short-rib thoracic dysplasia 10 with or without polydactyly. Last evaluated: 2022-02-13. Review status: criteria provided, single submitter. Criteria: Invitae Variant Classification Sherloc (09022015). Collection method: clinical testing. Allele origin: germline.
Comment: For these reasons, this variant has been classified as Pathogenic. This variant has not been reported in the literature in individuals affected with IFT172-related conditions. This variant is present in population databases (rs777676427, gnomAD 0.003%). This sequence change creates a premature translational stop signal (p.Arg1044*) in the IFT172 gene. It is expected to result in an absent or disrupted protein product. Loss-of-function variants in IFT172 are known to be pathogenic (PMID: 24140113).

Literature cited by the submitters: PubMed 24140113 (cited by Labcorp Genetics (formerly Invitae), Labcorp).